The following is an entry in ClinVar:

NC_000011.9:g.(?_59603261)_(59604844_?)dup

Gene: CBLIF (cobalamin binding intrinsic factor; minus strand). Cytogenetic location: 11q12.1.
Variant type: Duplication.
Identifiers: ClinVar variation 2425302 (VCV002425302.4).

ClinVar aggregate classification (germline): Likely pathogenic (1 of 4 stars; one submission).

Conditions:
Hereditary intrinsic factor deficiency (IFD). Also called: Congenital intrinsic factor deficiency; PERNICIOUS ANEMIA, CONGENITAL, DUE TO DEFECT OF INTRINSIC FACTOR. Identifiers: Orphanet 332, MedGen C2062370, MONDO:0009852, OMIM 261000.

Submission:

Labcorp Genetics (formerly Invitae), Labcorp
Classification: Likely pathogenic for Hereditary intrinsic factor deficiency. Last evaluated: 2022-09-23. Review status: criteria provided, single submitter. Criteria: Invitae Variant Classification Sherloc (09022015). Collection method: clinical testing. Allele origin: germline.
Comment: In summary, the currently available evidence indicates that the variant is pathogenic, but additional data are needed to prove that conclusively. Therefore, this variant has been classified as Likely Pathogenic. This variant has not been reported in the literature in individuals affected with GIF-related conditions. This variant results in a copy number gain of the genomic region encompassing exon(s) 6-7 of the GIF gene. While the exact position of this variant cannot be determined from the data, sub-genic copy number gains are generally in tandem (PMID: 25640679). This variant is predicted to be out-of-frame, and may result in an absent or disrupted protein product. Loss-of-function variants in GIF are known to be pathogenic (PMID: 14576042, 22929189).

Literature cited by the submitters: PubMed 25640679; PubMed 14576042; PubMed 22929189.